The following is an entry in ClinVar:

ClinVar aggregate classification (germline): Uncertain significance (1 of 4 stars; one submission).

Conditions:
Cardiovascular phenotype. Identifiers: MedGen CN230736.
Hereditary cancer-predisposing syndrome. Also called: Hereditary Cancer Syndrome; Hereditary neoplastic syndrome; Neoplastic Syndromes, Hereditary; Tumor predisposition. Identifiers: Orphanet 140162, MedGen C0027672, MeSH D009386, MONDO:0015356.

gnomAD v4.1: 1 of 1,613,492 alleles (0.000062%); highest among the groups gnomAD compares: Non-Finnish European, 0.000085%; no homozygotes.

Submission:

Ambry Genetics
Classification: Uncertain significance for Cardiovascular phenotype; Hereditary cancer-predisposing syndrome. Last evaluated: 2024-02-21. Review status: criteria provided, single submitter. Criteria: Ambry Variant Classification Scheme 2023. Collection method: clinical testing. Allele origin: germline.
Comment: The p.L436R variant (also known as c.1307T>G), located in coding exon 12 of the LZTR1 gene, results from a T to G substitution at nucleotide position 1307. The leucine at codon 436 is replaced by arginine, an amino acid with dissimilar properties. This amino acid position is conserved. In addition, this alteration is predicted to be deleterious by in silico analysis. Since supporting evidence is limited at this time, the clinical significance of this alteration remains unclear.

NM_006767.4(LZTR1):c.1307T>G (p.Leu436Arg)

Gene: LZTR1 (leucine zipper like post translational regulator 1; plus strand). Cytogenetic location: 22q11.21.
Variant type: single nucleotide variant.
Coding change: c.1307T>G on transcript NM_006767.4 (MANE Select); coding-DNA position 1307, T replaced by G.
Protein change: p.Leu436Arg; replaces leucine 436 with arginine.
Molecular consequence: missense variant.
Genome position (GRCh38, 1-based): chr22:20,993,708, T>G. VCF-style: chr22-20993708-T-G. GRCh37 (hg19) VCF-style: chr22-21347997-T-G.
Other names: short protein forms L436R.
Identifiers: ClinVar variation 1769553 (VCV001769553.2), dbSNP rs2518619988, ClinGen allele CA410774489.